The following is an entry in ClinVar:

NM_001139.3(ALOX12B):c.1517G>A (p.Trp506Ter)

Gene: ALOX12B (arachidonate 12-lipoxygenase, 12R type; minus strand). Cytogenetic location: 17p13.1.
Variant type: single nucleotide variant.
Coding change: c.1517G>A on transcript NM_001139.3 (MANE Select); coding-DNA position 1517, G replaced by A.
Protein change: p.Trp506Ter; replaces tryptophan 506 with a stop codon.
Molecular consequence: nonsense.
Genome position (GRCh38, 1-based): chr17:8,076,190, C>T on the plus strand (G>A on the coding strand, the complement: ALOX12B is on the minus strand). VCF-style: chr17-8076190-C-T. GRCh37 (hg19) VCF-style: chr17-7979508-C-T.
Other names: short protein forms W506*.
Identifiers: ClinVar variation 2816422 (VCV002816422.3), dbSNP rs2507691699, ClinGen allele CA397990251.

ClinVar aggregate classification (germline): Pathogenic (1 of 4 stars; one submission).

Submission:

Labcorp Genetics (formerly Invitae), Labcorp
Classification: Pathogenic. Last evaluated: 2022-12-22. Review status: criteria provided, single submitter. Criteria: Invitae Variant Classification Sherloc (09022015). Collection method: clinical testing. Allele origin: germline.
Comment: This sequence change creates a premature translational stop signal (p.Trp506*) in the ALOX12B gene. It is expected to result in an absent or disrupted protein product. Loss-of-function variants in ALOX12B are known to be pathogenic (PMID: 16116617, 23621129, 31046801). This variant is not present in population databases (gnomAD no frequency). This variant has not been reported in the literature in individuals affected with ALOX12B-related conditions. For these reasons, this variant has been classified as Pathogenic.

Literature cited by the submitters: PubMed 16116617; PubMed 23621129; PubMed 31046801.